The following is an entry in ClinVar:

NM_006231.4(POLE):c.4952+5G>A

Gene: POLE (DNA polymerase epsilon, catalytic subunit; minus strand). Cytogenetic location: 12q24.33.
Variant type: single nucleotide variant.
Coding change: c.4952+5G>A on transcript NM_006231.4 (MANE Select); 5 bases into the intron after coding-DNA position 4952, G replaced by A.
Molecular consequence: intron variant.
Genome position (GRCh38, 1-based): chr12:132,642,501, C>T on the plus strand (G>A on the coding strand, the complement: POLE is on the minus strand). VCF-style: chr12-132642501-C-T. GRCh37 (hg19) VCF-style: chr12-133219087-C-T.
Identifiers: ClinVar variation 484548 (VCV000484548.16), dbSNP rs1555222548, ClinGen allele CA658658215.

ClinVar aggregate classification (germline): Conflicting classifications of pathogenicity. Review status: criteria provided, conflicting classifications (1 of 4 stars). 3 submissions from 3 submitters: Uncertain significance (2); Likely benign (1). Last evaluated 2026-01-09.

Conditions:
Hereditary cancer-predisposing syndrome. Also called: Tumor predisposition; Hereditary Cancer Syndrome; Neoplastic Syndromes, Hereditary; Hereditary neoplastic syndrome. Identifiers: Orphanet 140162, MedGen C0027672, MeSH D009386, MONDO:0015356.

Allele frequency attached by ClinVar (database versions not stated): gnomAD 0.00001; TOPMed 0.00001.
gnomAD v4.1: 2 of 1,613,322 alleles (0.00012%); highest among the groups gnomAD compares: African/African-American, 0.0013%; no homozygotes.

Submissions (3):

Ambry Genetics
Classification: Uncertain significance for Hereditary cancer-predisposing syndrome. Last evaluated: 2026-01-09. Review status: criteria provided, single submitter. Criteria: Ambry Variant Classification Scheme 2023. Collection method: clinical testing. Allele origin: germline.
Comment: The c.4952+5G>A intronic variant results from a G to A substitution 5 nucleotides after coding exon 37 in the POLE gene. This nucleotide position is well conserved in available vertebrate species. In silico splice site analysis predicts that this alteration will not have any significant effect on splicing. Based on the available evidence, the clinical significance of this variant remains unclear.

Labcorp Genetics (formerly Invitae), Labcorp
Classification: Likely benign. Last evaluated: 2025-12-13. Review status: criteria provided, single submitter. Criteria: Invitae Variant Classification Sherloc (09022015). Collection method: clinical testing. Allele origin: germline.

GeneDx
Classification: Uncertain significance. Last evaluated: 2022-07-13. Review status: criteria provided, single submitter. Criteria: GeneDx Variant Classification Process June 2021. Collection method: clinical testing. Allele origin: germline. Affected: yes.
Comment: Not observed at significant frequency in large population cohorts (gnomAD); In silico analysis supports that this variant does not alter splicing; Has not been previously published as pathogenic or benign to our knowledge